The following is an entry in ClinVar:

NM_006648.4(WNK2):c.4295C>T (p.Thr1432Met)

Gene: WNK2 (WNK lysine deficient protein kinase 2; plus strand). Cytogenetic location: 9q22.31.
Variant type: single nucleotide variant.
Coding change: c.4295C>T on transcript NM_006648.4 (MANE Select); coding-DNA position 4295, C replaced by T.
Protein change: p.Thr1432Met; replaces threonine 1432 with methionine.
Molecular consequence: missense variant.
Genome position (GRCh38, 1-based): chr9:93,289,049, C>T. VCF-style: chr9-93289049-C-T. GRCh37 (hg19) VCF-style: chr9-96051331-C-T.
Other names: c.4406C>T, p.Thr1469Met (NM_001282394.3); short protein forms T1432M, T1469M.
Identifiers: ClinVar variation 2598651 (VCV002598651.3), dbSNP rs373618412, ClinGen allele CA5130291.

ClinVar aggregate classification (germline): Uncertain significance (1 of 4 stars; one submission).

Allele frequency attached by ClinVar (database versions not stated): TOPMed 0.00002; ESP Exome Variant Server 0.00015.
gnomAD v4.1: 45 of 1,605,032 alleles (0.0028%); highest among the groups gnomAD compares: African/African-American, 0.011%; no homozygotes.

Submission:

Ambry Genetics
Classification: Uncertain significance. Last evaluated: 2024-12-16. Review status: criteria provided, single submitter. Criteria: Ambry Variant Classification Scheme 2023. Collection method: clinical testing. Allele origin: germline.
Comment: The p.T1432M variant (also known as c.4295C>T), located in coding exon 19 of the WNK2 gene, results from a C to T substitution at nucleotide position 4295. The threonine at codon 1432 is replaced by methionine, an amino acid with similar properties. This amino acid position is conserved. In addition, this alteration is predicted to be tolerated by in silico analysis. Based on the available evidence, the clinical significance of this variant remains unclear.